The following is an entry in ClinVar:

NM_017763.6(RNF43):c.1861G>A (p.Glu621Lys)

Gene: RNF43 (ring finger protein 43; minus strand). Cytogenetic location: 17q22.
Variant type: single nucleotide variant.
Coding change: c.1861G>A on transcript NM_017763.6 (MANE Select); coding-DNA position 1861, G replaced by A.
Protein change: p.Glu621Lys; replaces glutamic acid 621 with lysine.
Molecular consequence: missense variant.
Genome position (GRCh38, 1-based): chr17:58,357,915, C>T on the plus strand (G>A on the coding strand, the complement: RNF43 is on the minus strand). VCF-style: chr17-58357915-C-T. GRCh37 (hg19) VCF-style: chr17-56435276-C-T.
Other names: c.1861G>A, p.Glu621Lys (NM_001305544.3); c.1480G>A, p.Glu494Lys (NM_001305545.2); short protein forms E494K, E621K.
Identifiers: ClinVar variation 1988884 (VCV001988884.5), dbSNP rs1598126257, ClinGen allele CA400387172.

ClinVar aggregate classification (germline): Uncertain significance. Review status: criteria provided, multiple submitters, no conflicts (2 of 4 stars). 2 submissions from 2 submitters: Uncertain significance (2). Last evaluated 2025-05-31.

Allele frequency attached by ClinVar (database versions not stated): TOPMed below 0.00001; gnomAD 0.00001.
gnomAD v4.1: 1 of 1,613,450 alleles (0.000062%); highest among the groups gnomAD compares: African/African-American, 0.0013%; no homozygotes.

Submissions (2):

Ambry Genetics
Classification: Uncertain significance. Last evaluated: 2025-05-31. Review status: criteria provided, single submitter. Criteria: Ambry Variant Classification Scheme 2023. Collection method: clinical testing. Allele origin: germline.
Comment: The p.E621K variant (also known as c.1861G>A), located in coding exon 8 of the RNF43 gene, results from a G to A substitution at nucleotide position 1861. The glutamic acid at codon 621 is replaced by lysine, an amino acid with similar properties. This amino acid position is conserved. In addition, this alteration is predicted to be tolerated by in silico analysis. Based on the available evidence, the clinical significance of this variant remains unclear.

Labcorp Genetics (formerly Invitae), Labcorp
Classification: Uncertain significance. Last evaluated: 2022-05-29. Review status: criteria provided, single submitter. Criteria: Invitae Variant Classification Sherloc (09022015). Collection method: clinical testing. Allele origin: germline.
Comment: Algorithms developed to predict the effect of missense changes on protein structure and function are either unavailable or do not agree on the potential impact of this missense change (SIFT: "Tolerated"; PolyPhen-2: "Possibly Damaging"; Align-GVGD: "Class C0"). In summary, the available evidence is currently insufficient to determine the role of this variant in disease. Therefore, it has been classified as a Variant of Uncertain Significance. This variant has not been reported in the literature in individuals affected with RNF43-related conditions. This variant is not present in population databases (gnomAD no frequency). This sequence change replaces glutamic acid, which is acidic and polar, with lysine, which is basic and polar, at codon 621 of the RNF43 protein (p.Glu621Lys).